The following is an entry in ClinVar:

ClinVar aggregate classification (germline): Uncertain significance (1 of 4 stars; one submission).

Submission:

Labcorp Genetics (formerly Invitae), Labcorp
Classification: Uncertain significance. Last evaluated: 2022-07-02. Review status: criteria provided, single submitter. Criteria: Invitae Variant Classification Sherloc (09022015). Collection method: clinical testing. Allele origin: germline.
Comment: In summary, the available evidence is currently insufficient to determine the role of this variant in disease. Therefore, it has been classified as a Variant of Uncertain Significance. Algorithms developed to predict the effect of missense changes on protein structure and function are either unavailable or do not agree on the potential impact of this missense change (SIFT: "Deleterious"; PolyPhen-2: "Benign"; Align-GVGD: "Class C35"). ClinVar contains an entry for this variant (Variation ID: 1511858). This variant has not been reported in the literature in individuals affected with RIMS1-related conditions. This variant is not present in population databases (gnomAD no frequency). This sequence change replaces arginine, which is basic and polar, with glycine, which is neutral and non-polar, at codon 1371 of the RIMS1 protein (p.Arg1371Gly).

NM_014989.7(RIMS1):c.4111C>G (p.Arg1371Gly)

Gene: RIMS1 (regulating synaptic membrane exocytosis 1; plus strand). Cytogenetic location: 6q13.
Variant type: single nucleotide variant.
Coding change: c.4111C>G on transcript NM_014989.7 (MANE Select); coding-DNA position 4111, C replaced by G.
Protein change: p.Arg1371Gly; replaces arginine 1371 with glycine.
Molecular consequence: missense variant. On other transcripts: intron variant (24).
Genome position (GRCh38, 1-based): chr6:72,313,653, C>G. VCF-style: chr6-72313653-C-G. GRCh37 (hg19) VCF-style: chr6-73023356-C-G.
Other names: c.2071C>G, p.Arg691Gly (NM_001168407.2); c.2032C>G, p.Arg678Gly (NM_001350414.2); c.2155C>G, p.Arg719Gly (NM_001350415.2); c.2104C>G, p.Arg702Gly (NM_001350416.2); c.2077C>G, p.Arg693Gly (NM_001350418.2); c.2185C>G, p.Arg729Gly (NM_001350420.2); c.1930C>G, p.Arg644Gly (NM_001350421.2); c.1846C>G, p.Arg616Gly (NM_001350423.2, NM_001350444.2); and 51 more; short protein forms R1371G, R610G, R616G, R617G, R638G, R644G, R668G, R672G.
Identifiers: ClinVar variation 1511858 (VCV001511858.6), dbSNP rs995769455, ClinGen allele CA364691217.